The following is an entry in ClinVar:

NM_000548.5(TSC2):c.2206_2210dup (p.Cys738fs)

Gene: TSC2 (TSC complex subunit 2; plus strand). Cytogenetic location: 16p13.3.
Variant type: Microsatellite.
Coding change: c.2206_2210dup on transcript NM_000548.5 (MANE Select); coding-DNA positions 2206 to 2210, 5 bases duplicated (GCTCT; older notation c.2206_2210dupGCTCT).
Protein change: p.Cys738fs; shifts the reading frame from cysteine 738.
Molecular consequence: frameshift variant.
Genome position (GRCh38, 1-based): chr16:2,072,349-2,072,353, GCTCT duplicated; duplicating any 5 consecutive bases within chr16:2,072,343-2,072,353 gives the same sequence; the c. name uses the placement nearest the transcript's 3' end. VCF-style (leftmost placement, unchanged base first): chr16-2072342-G-GTGCTC. GRCh37 (hg19) VCF-style: chr16-2122343-G-GTGCTC.
Other names: c.2206_2210dup, p.Cys738fs (NM_001370405.1, NM_021055.3, NM_001077183.3 and 3 more transcripts); c.2095_2099dup, p.Cys701fs (NM_001318827.2); c.2059_2063dup, p.Cys689fs (NM_001318829.2); c.1606_1610dup, p.Cys538fs (NM_001318831.2); c.2239_2243dup, p.Cys749fs (NM_001318832.2); short protein forms C701fs, C538fs, C738fs, C749fs, C689fs.
Identifiers: ClinVar variation 49600 (VCV000049600.4), dbSNP rs137854247, ClinGen allele CA016929.

ClinVar aggregate classification (germline): Pathogenic. Review status: criteria provided, single submitter (1 of 4 stars). 2 submissions from 2 submitters: Pathogenic (1). 1 of the submissions does not count toward it. Last evaluated 2021-12-15.

Conditions:
Hereditary cancer-predisposing syndrome. Also called: Neoplastic Syndromes, Hereditary; Tumor predisposition; Hereditary Cancer Syndrome; Hereditary neoplastic syndrome. Identifiers: Orphanet 140162, MedGen C0027672, MeSH D009386, MONDO:0015356.
Tuberous sclerosis syndrome (TSC). Also called: Tuberous Sclerosis Complex; Tuberous sclerosis. Identifiers: Orphanet 805, MedGen C0041341, MONDO:0001734.

Submissions (2):

Ambry Genetics
Classification: Pathogenic for Hereditary cancer-predisposing syndrome. Last evaluated: 2021-12-15. Review status: criteria provided, single submitter. Criteria: Ambry Variant Classification Scheme 2023. Collection method: clinical testing. Allele origin: germline.
Comment: The c.2206_2210dupGCTCT pathogenic mutation, located in coding exon 19 of the TSC2 gene, results from a duplication of GCTCT at nucleotide position 2206, causing a translational frameshift with a predicted alternate stop codon (p.C738Lfs*35). This alteration was detected as de novo in an individual who met clinical diagnostic criteria for tuberous sclerosis complex (TSC) (Avgeris S et al. Sci Rep, 2017 12;7:16697). This variant is considered to be rare based on population cohorts in the Genome Aggregation Database (gnomAD). This alteration is expected to result in loss of function by premature protein truncation or nonsense-mediated mRNA decay. As such, this alteration is interpreted as a disease-causing mutation.

Tuberous sclerosis database (TSC2)
No classification provided. Condition: TSC. Review status: no classification provided. Criteria: Tuberous Sclerosis Database Assertion Criteria 2015. Collection method: curation. Allele origin: germline. Affected: yes. Not counted in ClinVar's aggregate classification.

Literature cited by the submitters: PubMed 29196670 (cited by Ambry Genetics).